The following is an entry in ClinVar:

NM_015465.5(GEMIN5):c.3851G>A (p.Arg1284His)

Gene: GEMIN5 (gem nuclear organelle associated protein 5; minus strand). Cytogenetic location: 5q33.2.
Variant type: single nucleotide variant.
Coding change: c.3851G>A on transcript NM_015465.5 (MANE Select); coding-DNA position 3851, G replaced by A.
Protein change: p.Arg1284His; replaces arginine 1284 with histidine.
Molecular consequence: missense variant.
Genome position (GRCh38, 1-based): chr5:154,891,652, C>T on the plus strand (G>A on the coding strand, the complement: GEMIN5 is on the minus strand). VCF-style: chr5-154891652-C-T. GRCh37 (hg19) VCF-style: chr5-154271212-C-T.
Other names: c.3851G>A (NM_015465.3); c.3848G>A, p.Arg1283His (NM_001252156.2); short protein forms R1283H, R1284H.
Identifiers: ClinVar variation 1700722 (VCV001700722.5), dbSNP rs200206273, ClinGen allele CA3528266.

ClinVar aggregate classification (germline): Uncertain significance. Review status: criteria provided, multiple submitters, no conflicts (2 of 4 stars). 2 submissions from 2 submitters: Uncertain significance (2). Last evaluated 2025-12-30.

Conditions:
Inborn genetic diseases. Identifiers: MedGen C0950123, MeSH D030342.

Allele frequency attached by ClinVar (database versions not stated): ESP Exome Variant Server 0.00008; TOPMed 0.00008; gnomAD 0.00010 and 0.00013; gnomAD exomes 0.00010; ExAC 0.00012; 1000 Genomes Project 0.00080; 1000 Genomes Project 30x 0.00094.
gnomAD v4.1: 156 of 1,613,844 alleles (0.0097%); highest among the groups gnomAD compares: Admixed American, 0.037%; no homozygotes.

Submissions (2):

GeneDx
Classification: Uncertain significance. Last evaluated: 2025-12-30. Review status: criteria provided, single submitter. Criteria: GeneDx Variant Classification Process June 2021. Collection method: clinical testing. Allele origin: germline. Affected: yes.
Comment: In silico analysis suggests that this missense variant does not alter protein structure/function; Has not been previously published as pathogenic or benign to our knowledge

Ambry Genetics
Classification: Uncertain significance for Inborn genetic diseases. Last evaluated: 2025-08-19. Review status: criteria provided, single submitter. Criteria: Ambry Variant Classification Scheme 2023. Collection method: clinical testing. Allele origin: germline.